The following is an entry in ClinVar:

ClinVar aggregate classification (germline): Benign/Likely benign. Review status: criteria provided, multiple submitters, no conflicts (2 of 4 stars). 5 submissions from 5 submitters: Benign (1); Likely benign (4). Last evaluated 2025-12-22.

Conditions:
Hereditary cancer-predisposing syndrome. Also called: Hereditary neoplastic syndrome; Neoplastic Syndromes, Hereditary; Tumor predisposition; Hereditary Cancer Syndrome. Identifiers: Orphanet 140162, MedGen C0027672, MeSH D009386, MONDO:0015356.
Fanconi anemia complementation group J. Also called: BRIP1-Related Fanconi Anemia. Identifiers: Orphanet 84, MedGen C1836860, MONDO:0012187, OMIM 609054.
Familial cancer of breast. Also called: BREAST CANCER, FAMILIAL; hereditary breast carcinoma; Hereditary breast cancer. Identifiers: Orphanet 227535, MedGen C0346153, MONDO:0016419, OMIM 114480. Disease mechanism: loss of function.

Allele frequency attached by ClinVar (database versions not stated): gnomAD exomes below 0.00001.
gnomAD v4.1: 1 of 1,614,160 alleles (0.000062%); highest among the groups gnomAD compares: Non-Finnish European, 0.000085%; no homozygotes.

Submissions (5):

Labcorp Genetics (formerly Invitae), Labcorp
Classification: Likely benign for Familial cancer of breast; Fanconi anemia complementation group J. Last evaluated: 2025-12-22. Review status: criteria provided, single submitter. Criteria: Invitae Variant Classification Sherloc (09022015). Collection method: clinical testing. Allele origin: germline.

Quest Diagnostics Nichols Institute San Juan Capistrano
Classification: Likely benign. Last evaluated: 2025-03-27. Review status: criteria provided, single submitter. Criteria: Quest Diagnostics criteria. Collection method: clinical testing. Allele origin: unknown.

Myriad Genetics, Inc.
Classification: Benign for Familial cancer of breast. Last evaluated: 2024-09-10. Review status: criteria provided, single submitter. Criteria: Myriad Autosomal Dominant, Autosomal Recessive and X-Linked Classification Criteria (2023). Collection method: clinical testing. Allele origin: unknown.
Comment: This variant is considered benign. This variant is a silent/synonymous amino acid change and it is not expected to impact splicing.

Color Diagnostics, LLC DBA Color Health
Classification: Likely benign for Hereditary cancer-predisposing syndrome. Last evaluated: 2020-05-26. Review status: criteria provided, single submitter. Criteria: ACMG Guidelines, 2015. Collection method: clinical testing. Allele origin: germline.

Ambry Genetics
Classification: Likely benign for Hereditary cancer-predisposing syndrome. Last evaluated: 2018-05-31. Review status: criteria provided, single submitter. Criteria: Ambry Variant Classification Scheme 2023. Collection method: clinical testing. Allele origin: germline.

NM_032043.3(BRIP1):c.3207A>G (p.Gln1069=)

Gene: BRIP1 (BRCA1 interacting DNA helicase 1; minus strand). Cytogenetic location: 17q23.2.
Variant type: single nucleotide variant.
Coding change: c.3207A>G on transcript NM_032043.3 (MANE Select); coding-DNA position 3207, A replaced by G.
Protein change: p.Gln1069=; no amino-acid change (glutamine 1069 retained).
Molecular consequence: synonymous variant.
Genome position (GRCh38, 1-based): chr17:61,683,839, T>C on the plus strand (A>G on the coding strand, the complement: BRIP1 is on the minus strand). VCF-style: chr17-61683839-T-C. GRCh37 (hg19) VCF-style: chr17-59761200-T-C.
Identifiers: ClinVar variation 461142 (VCV000461142.18), dbSNP rs1555572778, ClinGen allele CA501335295.